The following is an entry in ClinVar:

ClinVar aggregate classification (germline): Uncertain significance (1 of 4 stars; one submission).

Conditions:
Microphthalmia, isolated, with coloboma 6 (MCOPCB6). Also called: MICROPHTHALMIA/COLOBOMA 6; Microphthalmia with coloboma 6, digenic; Microphthalmia with coloboma 6. Identifiers: Orphanet 98938, MedGen C3150968, MONDO:0013376, OMIM 613703.
Klippel-Feil syndrome 1, autosomal dominant (KFS1). Also called: CERVICAL VERTEBRAL FUSION, AUTOSOMAL DOMINANT. Identifiers: Orphanet 2345, MedGen C1861689, MONDO:0007306, OMIM 118100.
Leber congenital amaurosis 17 (LCA17). Identifiers: Orphanet 65, MedGen C3715164, MONDO:0014145, OMIM 615360.
Isolated microphthalmia 4. Identifiers: Orphanet 2542, MedGen C2751307, MONDO:0013130, OMIM 613094.

Allele frequency attached by ClinVar (database versions not stated): TOPMed below 0.00001.

Submission:

Labcorp Genetics (formerly Invitae), Labcorp
Classification: Uncertain significance for Isolated microphthalmia 4; Leber congenital amaurosis 17; Klippel-Feil syndrome 1, autosomal dominant; Microphthalmia, isolated, with coloboma 6. Last evaluated: 2020-06-20. Review status: criteria provided, single submitter. Criteria: Invitae Variant Classification Sherloc (09022015). Collection method: clinical testing. Allele origin: germline.
Comment: This variant has not been reported in the literature in individuals with GDF6-related conditions. Algorithms developed to predict the effect of missense changes on protein structure and function (SIFT, PolyPhen-2, Align-GVGD) all suggest that this variant is likely to be disruptive, but these predictions have not been confirmed by published functional studies and their clinical significance is uncertain. In summary, the available evidence is currently insufficient to determine the role of this variant in disease. Therefore, it has been classified as a Variant of Uncertain Significance. This variant is not present in population databases (ExAC no frequency). This sequence change replaces glycine with serine at codon 453 of the GDF6 protein (p.Gly453Ser). The glycine residue is highly conserved and there is a small physicochemical difference between glycine and serine.

NM_001001557.4(GDF6):c.1357G>A (p.Gly453Ser)

Gene: GDF6 (growth differentiation factor 6; minus strand). Cytogenetic location: 8q22.1.
Variant type: single nucleotide variant.
Coding change: c.1357G>A on transcript NM_001001557.4 (MANE Select); coding-DNA position 1357, G replaced by A.
Protein change: p.Gly453Ser; replaces glycine 453 with serine.
Molecular consequence: missense variant.
Genome position (GRCh38, 1-based): chr8:96,144,574, C>T on the plus strand (G>A on the coding strand, the complement: GDF6 is on the minus strand). VCF-style: chr8-96144574-C-T. GRCh37 (hg19) VCF-style: chr8-97156802-C-T.
Other names: short protein forms G453S.
Identifiers: ClinVar variation 1055966 (VCV001055966.9), dbSNP rs1178158158, ClinGen allele CA371749370.